The following is an entry in ClinVar:

NM_000094.4(COL7A1):c.2572A>G (p.Ile858Val)

Gene: COL7A1 (collagen type VII alpha 1 chain; minus strand). Cytogenetic location: 3p21.31.
Variant type: single nucleotide variant.
Coding change: c.2572A>G on transcript NM_000094.4 (MANE Select); coding-DNA position 2572, A replaced by G.
Protein change: p.Ile858Val; replaces isoleucine 858 with valine.
Molecular consequence: missense variant.
Genome position (GRCh38, 1-based): chr3:48,588,657, T>C on the plus strand (A>G on the coding strand, the complement: COL7A1 is on the minus strand). VCF-style: chr3-48588657-T-C. GRCh37 (hg19) VCF-style: chr3-48626090-T-C.
Other names: short protein forms I858V.
Identifiers: ClinVar variation 1958168 (VCV001958168.5), dbSNP rs769718406, ClinGen allele CA2380850.
Genomic context (GRCh38, chr3:48,588,657, plus strand): 5'-ATCCACACCACCCATCCGAAGCTCTCCAGCGCATGCTCTGCCTACGCGTAGTGACAACAA[T>C]GGAGACAGGTGTGCCCTCGCGGTCCCCGACAAGTGCAGTCACTCGCACTGAGTAGCTGAC-3'
Protein context (NP_000085.1, residues 848-868): VGDREGTPVS[Ile858Val]VVTTPPEAPP

ClinVar aggregate classification (germline): Uncertain significance (1 of 4 stars; one submission).

Allele frequency attached by ClinVar (database versions not stated): ExAC 0.00001; gnomAD exomes 0.00001.

Submission:

Labcorp Genetics (formerly Invitae), Labcorp
Classification: Uncertain significance. Last evaluated: 2022-09-27. Review status: criteria provided, single submitter. Criteria: Invitae Variant Classification Sherloc (09022015). Collection method: clinical testing. Allele origin: germline.
Comment: This variant has not been reported in the literature in individuals affected with COL7A1-related conditions. In summary, the available evidence is currently insufficient to determine the role of this variant in disease. Therefore, it has been classified as a Variant of Uncertain Significance. Advanced modeling of protein sequence and biophysical properties (such as structural, functional, and spatial information, amino acid conservation, physicochemical variation, residue mobility, and thermodynamic stability) performed at Invitae indicates that this missense variant is not expected to disrupt COL7A1 protein function. This variant is present in population databases (rs769718406, gnomAD 0.002%). This sequence change replaces isoleucine, which is neutral and non-polar, with valine, which is neutral and non-polar, at codon 858 of the COL7A1 protein (p.Ile858Val).